The following is an entry in ClinVar:

ClinVar aggregate classification (germline): Likely pathogenic (1 of 4 stars; one submission).

Conditions:
Warburg micro syndrome 2 (WARBM2). Also called: MICRO SYNDROME 2. Identifiers: Orphanet 2510, MedGen C3280214, MONDO:0013641, OMIM 614225.

Submission:

Neurogenetics Team, Indira Gandhi Institute of Child Health
Classification: Likely pathogenic for Warburg micro syndrome 2. Last evaluated: 2026-04-12. Review status: criteria provided, single submitter. Criteria: ACMG Guidelines, 2015. Collection method: clinical testing. Allele origin: biparental. Inheritance: Autosomal recessive inheritance. Affected: yes.
Comment: A Homozygous one base pair deletion in Exon 9 of the RAB3GAP2 gene(c.725del) that results in a frameshift and premature truncation of the protein 10 amino acids downstream to codon 242 (p.Gly242AlafsTer10) was identified. The variant is reported in a gene where loss of function is a known disease causing mechanism (PVS1). The observed variant is novel in gnomAD exomes and genomes, respectively(PM2). Hence the variant is classified as Likely Pathogenic.

NM_012414.4(RAB3GAP2):c.725del (p.Gly242fs)

Gene: RAB3GAP2 (RAB3 GTPase activating non-catalytic protein subunit 2; minus strand). Cytogenetic location: 1q41.
Variant type: Deletion.
Coding change: c.725del on transcript NM_012414.4 (MANE Select); coding-DNA position 725, one base deleted (G; older notation c.725delG).
Protein change: p.Gly242fs; shifts the reading frame from glycine 242.
Molecular consequence: frameshift variant.
Genome position (GRCh38, 1-based): chr1:220,202,362, C deleted on the plus strand (G on the coding strand, the reverse complement: RAB3GAP2 is on the minus strand); the first of 2 consecutive C bases (chr1:220,202,362-220,202,363); deleting either gives the same sequence. VCF-style (leftmost placement, unchanged base first): chr1-220202361-GC-G. GRCh37 (hg19) VCF-style: chr1-220375703-GC-G.
Other names: short protein forms G242fs.
Identifiers: ClinVar variation 4823910 (VCV004823910.1).
Genomic context (GRCh38, chr1:220,202,361, plus strand): 5'-GTCAATATCTTGTAGACCCCATTTCTTATAAGCTAATGGTGGTGGTTGTATGTTCTCATT[GC>G]CTGATGCTGCAGCTACCAAAGATAAAATAAGACAATCCAAACTTATTATGGATAAAATGA-3'